The following is an entry in ClinVar:

ClinVar aggregate classification (germline): Uncertain significance. Review status: criteria provided, multiple submitters, no conflicts (2 of 4 stars). 2 submissions from 2 submitters: Uncertain significance (2). Last evaluated 2025-08-27.

Conditions:
Inborn genetic diseases. Identifiers: MedGen C0950123, MeSH D030342.

Allele frequency attached by ClinVar (database versions not stated): gnomAD 0.00003; TOPMed 0.00004.
gnomAD v4.1: 37 of 1,614,022 alleles (0.0023%); highest among the groups gnomAD compares: South Asian, 0.0033%; no homozygotes.

Submissions (2):

Ambry Genetics
Classification: Uncertain significance for Inborn genetic diseases. Last evaluated: 2025-08-27. Review status: criteria provided, single submitter. Criteria: Ambry Variant Classification Scheme 2023. Collection method: clinical testing. Allele origin: germline.

Labcorp Genetics (formerly Invitae), Labcorp
Classification: Uncertain significance. Last evaluated: 2022-07-01. Review status: criteria provided, single submitter. Criteria: Invitae Variant Classification Sherloc (09022015). Collection method: clinical testing. Allele origin: germline.
Comment: This sequence change replaces asparagine, which is neutral and polar, with serine, which is neutral and polar, at codon 363 of the ARMC9 protein (p.Asn363Ser). This variant is present in population databases (rs758714320, gnomAD 0.004%). This variant has not been reported in the literature in individuals affected with ARMC9-related conditions. ClinVar contains an entry for this variant (Variation ID: 1064203). Experimental studies and prediction algorithms are not available or were not evaluated, and the functional significance of this variant is currently unknown. In summary, the available evidence is currently insufficient to determine the role of this variant in disease. Therefore, it has been classified as a Variant of Uncertain Significance.

NM_001352754.2(ARMC9):c.1088A>G (p.Asn363Ser)

Gene: ARMC9 (armadillo repeat containing 9; plus strand). Cytogenetic location: 2q37.1.
Variant type: single nucleotide variant.
Coding change: c.1088A>G on transcript NM_001352754.2 (MANE Select); coding-DNA position 1088, A replaced by G.
Protein change: p.Asn363Ser; replaces asparagine 363 with serine.
Molecular consequence: missense variant. On other transcripts: non-coding transcript variant (1).
Genome position (GRCh38, 1-based): chr2:231,262,367, A>G. VCF-style: chr2-231262367-A-G. GRCh37 (hg19) VCF-style: chr2-232127080-A-G.
Other names: c.1088A>G (NM_025139.3); c.1088A>G, p.Asn363Ser (NM_001271466.4, NM_001291656.2, NM_001352755.2 and 3 more transcripts); c.989A>G, p.Asn330Ser (NM_001352757.2, NM_001352758.2); short protein forms N330S, N363S.
Identifiers: ClinVar variation 1064203 (VCV001064203.5), dbSNP rs758714320, ClinGen allele CA2160176.